The following is an entry in ClinVar:

ClinVar aggregate classification (germline): Likely pathogenic (1 of 4 stars; one submission).

Submission:

Labcorp Genetics (formerly Invitae), Labcorp
Classification: Likely pathogenic. Last evaluated: 2023-12-21. Review status: criteria provided, single submitter. Criteria: Invitae Variant Classification Sherloc (09022015). Collection method: clinical testing. Allele origin: germline.
Comment: This sequence change replaces glycine, which is neutral and non-polar, with valine, which is neutral and non-polar, at codon 267 of the TMC1 protein (p.Gly267Val). This variant is not present in population databases (gnomAD no frequency). This variant has not been reported in the literature in individuals affected with TMC1-related conditions. Advanced modeling of protein sequence and biophysical properties (such as structural, functional, and spatial information, amino acid conservation, physicochemical variation, residue mobility, and thermodynamic stability) performed at Invitae indicates that this missense variant is expected to disrupt TMC1 protein function with a positive predictive value of 95%. Algorithms developed to predict the effect of sequence changes on RNA splicing suggest that this variant may disrupt the consensus splice site. This variant disrupts the p.Gly267 amino acid residue in TMC1. Other variant(s) that disrupt this residue have been determined to be pathogenic (PMID: 24416283). This suggests that this residue is clinically significant, and that variants that disrupt this residue are likely to be disease-causing. In summary, the currently available evidence indicates that the variant is pathogenic, but additional data are needed to prove that conclusively. Therefore, this variant has been classified as Likely Pathogenic.

Literature cited by the submitters: PubMed 24416283.

NM_138691.3(TMC1):c.800G>T (p.Gly267Val)

Gene: TMC1 (transmembrane channel like 1; plus strand). Cytogenetic location: 9q21.13.
Variant type: single nucleotide variant.
Coding change: c.800G>T on transcript NM_138691.3 (MANE Select); coding-DNA position 800, G replaced by T.
Protein change: p.Gly267Val; replaces glycine 267 with valine.
Molecular consequence: missense variant.
Genome position (GRCh38, 1-based): chr9:72,772,471, G>T. VCF-style: chr9-72772471-G-T. GRCh37 (hg19) VCF-style: chr9-75387387-G-T.
Other names: short protein forms G267V.
Identifiers: ClinVar variation 2704741 (VCV002704741.3), dbSNP rs2489883381, ClinGen allele CA373502949.